The following is an entry in ClinVar:

ClinVar aggregate classification (germline): Likely pathogenic. Review status: criteria provided, multiple submitters, no conflicts (2 of 4 stars). 2 submissions from 2 submitters: Likely pathogenic (2). Last evaluated 2024-11-04.

Conditions:
Cardiovascular phenotype. Identifiers: MedGen CN230736.
Autosomal recessive limb-girdle muscular dystrophy type 2J (LGMDR10). Also called: Limb-girdle muscular dystrophy, type 2J; MUSCULAR DYSTROPHY, LIMB-GIRDLE, AUTOSOMAL RECESSIVE 10. Identifiers: Orphanet 140922, MedGen C1837342, MONDO:0012127, OMIM 608807.
Dilated cardiomyopathy 1G (CMD1G). Identifiers: Orphanet 154, MedGen C1858763, MONDO:0011400, OMIM 604145.

Allele frequency attached by ClinVar (database versions not stated): TOPMed below 0.00001; ExAC 0.00001; gnomAD 0.00001; ESP Exome Variant Server 0.00008.
gnomAD v4.1: 1 of 1,613,234 alleles (0.000062%); highest among the groups gnomAD compares: Non-Finnish European, 0.000085%; no homozygotes.

Submissions (2):

Labcorp Genetics (formerly Invitae), Labcorp
Classification: Likely pathogenic for Dilated cardiomyopathy 1G; Autosomal recessive limb-girdle muscular dystrophy type 2J. Last evaluated: 2024-11-04. Review status: criteria provided, single submitter. Criteria: Invitae Variant Classification Sherloc (09022015). Collection method: clinical testing. Allele origin: germline.
Comment: This sequence change creates a premature translational stop signal (p.Trp14440*) in the TTN gene. While this is not anticipated to result in nonsense mediated decay, it is expected to create a truncated TTN protein. This variant is present in population databases (rs372663057, gnomAD 0.0009%). This variant has not been reported in the literature in individuals affected with TTN-related conditions. ClinVar contains an entry for this variant (Variation ID: 2090015). Algorithms developed to predict the effect of sequence changes on RNA splicing suggest that this variant may disrupt the consensus splice site. This variant is located in the I band of TTN (PMID: 25589632). Truncating variants in this region have been reported in individuals affected with autosomal recessive centronuclear myopathy (PMID: 23975875, internal data). Truncating variants in this region have also been identified in individuals affected with autosomal dominant dilated cardiomyopathy and/or cardio-related conditions (PMID: 27869827, 32964742, internal data). In summary, the currently available evidence indicates that the variant is pathogenic, but additional data are needed to prove that conclusively. Therefore, this variant has been classified as Likely Pathogenic.

Ambry Genetics
Classification: Likely pathogenic for Cardiovascular phenotype. Last evaluated: 2024-10-24. Review status: criteria provided, single submitter. Criteria: Ambry Variant Classification Scheme 2023. Collection method: clinical testing. Allele origin: germline.
Comment: The p.W5375* variant (also known as c.16124G>A), located in coding exon 62 of the TTN gene, results from a G to A substitution at nucleotide position 16124. This changes the amino acid from a tryptophan to a stop codon within coding exon 62. This exon is located in the I-band region of the N2-B isoform of the titin protein and is constitutively expressed in TTN transcripts (percent spliced in or PSI 100%). This variant is considered to be rare based on population cohorts in the Genome Aggregation Database (gnomAD). This alteration is expected to result in loss of function by premature protein truncation or nonsense-mediated mRNA decay. While truncating variants in TTN are present in 1-3% of the general population, truncating variants in the A-band are the most common cause of dilated cardiomyopathy (DCM) (Herman DS et al. N. Engl. J. Med., 2012 Feb;366:619-28; Roberts AM et al. Sci Transl Med, 2015 Jan;7:270ra6). TTN truncating variants encoded in constitutive exons (PSI >90%) have been found to be significantly associated with DCM regardless of their position in titin (Schafer S et al. Nat. Genet., 2017 01;49:46-53). Based on the majority of available evidence to date, this variant is likely to be pathogenic.

Literature cited by the submitters: PubMed 25589632 (cited by Labcorp Genetics (formerly Invitae), Labcorp); PubMed 23975875 (cited by Labcorp Genetics (formerly Invitae), Labcorp); PubMed 27869827 (cited by Labcorp Genetics (formerly Invitae), Labcorp); PubMed 32964742 (cited by Labcorp Genetics (formerly Invitae), Labcorp).

NM_001267550.2(TTN):c.43319G>A (p.Trp14440Ter)

Gene: TTN (titin; minus strand). Cytogenetic location: 2q31.2.
Variant type: single nucleotide variant.
Coding change: c.43319G>A on transcript NM_001267550.2 (MANE Select); coding-DNA position 43319, G replaced by A.
Protein change: p.Trp14440Ter; replaces tryptophan 14440 with a stop codon.
Molecular consequence: nonsense.
Genome position (GRCh38, 1-based): chr2:178,632,687, C>T on the plus strand (G>A on the coding strand, the complement: TTN is on the minus strand). VCF-style: chr2-178632687-C-T. GRCh37 (hg19) VCF-style: chr2-179497414-C-T.
Other names: c.38396G>A, p.Trp12799Ter (NM_001256850.1); c.16124G>A, p.Trp5375Ter (NM_003319.4); c.35615G>A, p.Trp11872Ter (NM_133378.4); c.16499G>A, p.Trp5500Ter (NM_133432.3); c.16700G>A, p.Trp5567Ter (NM_133437.4); short protein forms W14440*, W11872*, W5375*, W12799*, W5500*, W5567*.
Identifiers: ClinVar variation 2090015 (VCV002090015.5), dbSNP rs372663057, ClinGen allele CA1995895.